The following is an entry in ClinVar:

ClinVar aggregate classification (germline): Uncertain significance (1 of 4 stars; one submission).

Submission:

Women's Health and Genetics/Laboratory Corporation of America, LabCorp
Classification: Uncertain significance. Last evaluated: 2022-04-26. Review status: criteria provided, single submitter. Criteria: LabCorp Variant Classification Summary - May 2015. Collection method: clinical testing. Allele origin: germline.
Comment: Variant summary: AOF2 c.2314G>A (p.Val772Met) (aka. KDM1A c.2242G>A (p.V748M)) results in a conservative amino acid change located in the Amine oxidase domain (IPR002937) of the encoded protein sequence. Four of five in-silico tools predict a damaging effect of the variant on protein function. The variant was absent in 250720 control chromosomes (gnomAD). The available data on variant occurrences in the general population are insufficient to allow any conclusion about variant significance. To our knowledge, no occurrence of c.2314G>A in individuals affected with Palatal Anomalies-Widely Spaced Teeth-Facial Dysmorphism-Developmental Delay Syndrome and no experimental evidence demonstrating its impact on protein function have been reported. No clinical diagnostic laboratories have submitted clinical-significance assessments for this variant to ClinVar after 2014. Based on the evidence outlined above, the variant was classified as uncertain significance.

NM_001009999.3(KDM1A):c.2314G>A (p.Val772Met)

Gene: KDM1A (lysine demethylase 1A; plus strand). Cytogenetic location: 1p36.12.
Variant type: single nucleotide variant.
Coding change: c.2314G>A on transcript NM_001009999.3 (MANE Select); coding-DNA position 2314, G replaced by A.
Protein change: p.Val772Met; replaces valine 772 with methionine.
Molecular consequence: missense variant.
Genome position (GRCh38, 1-based): chr1:23,082,235, G>A. VCF-style: chr1-23082235-G-A. GRCh37 (hg19) VCF-style: chr1-23408728-G-A.
Other names: c.2260G>A, p.Val754Met (NM_001363654.2); c.2242G>A, p.Val748Met (NM_015013.4); short protein forms V748M, V754M, V772M.
Identifiers: ClinVar variation 1696065 (VCV001696065.1), dbSNP rs2124555975, ClinGen allele CA338972118.